The following is an entry in ClinVar:

NC_000020.10:g.(?_61452877)_(61464508_?)del

Gene: COL9A3 (collagen type IX alpha 3 chain; plus strand). Cytogenetic location: 20q13.33.
Variant type: Deletion.
Identifiers: ClinVar variation 2424270 (VCV002424270.4).

ClinVar aggregate classification (germline): Uncertain significance (1 of 4 stars; one submission).

Submission:

Labcorp Genetics (formerly Invitae), Labcorp
Classification: Uncertain significance. Last evaluated: 2023-03-06. Review status: criteria provided, single submitter. Criteria: Invitae Variant Classification Sherloc (09022015). Collection method: clinical testing. Allele origin: germline.
Comment: Experimental studies and prediction algorithms are not available or were not evaluated, and the functional significance of this variant is currently unknown. This variant has not been reported in the literature in individuals affected with COL9A3-related conditions. This variant results in the deletion of part of exon 7 and exons 8-26 (c.364_1368+92del) of the COL9A3 gene. It is expected to disrupt RNA splicing. Variants that disrupt the donor or acceptor splice site typically lead to a loss of protein function (PMID: 16199547), however the current clinical and genetic evidence is not sufficient to establish whether loss-of-function variants in COL9A3 cause disease. In summary, the available evidence is currently insufficient to determine the role of this variant in disease. Therefore, it has been classified as a Variant of Uncertain Significance.

Literature cited by the submitters: PubMed 16199547.